The following is an entry in ClinVar:

ClinVar aggregate classification (germline): Likely pathogenic. Review status: reviewed by expert panel (3 of 4 stars). 3 submissions from 3 submitters: Likely pathogenic (1). 2 of the submissions do not count toward it. Last evaluated 2025-06-17.

Conditions:
Glycogen storage disease, type II (IOPD). Also called: CARDIOMEGALIA GLYCOGENICA DIFFUSA; GLYCOGENOSIS, GENERALIZED, CARDIAC FORM; GSD II; POMPE DISEASE, INFANTILE-ONSET; GLYCOGEN STORAGE DISEASE II, INFANTILE-ONSET; ACID ALPHA-GLUCOSIDASE DEFICIENCY, INFANTILE-ONSET. Identifiers: Orphanet 365, MedGen C0017921, MONDO:0009290, OMIM 232300.

Allele frequency attached by ClinVar (database versions not stated): gnomAD exomes below 0.00001.
gnomAD v4.1: 1 of 1,613,162 alleles (0.000062%); highest among the groups gnomAD compares: Non-Finnish European, 0.000085%; no homozygotes.

Submissions (3):

ClinGen Lysosomal Storage Disorder Variant Curation Expert Panel
Classification: Likely pathogenic for Glycogen storage disease, type II. Last evaluated: 2025-06-17. Review status: reviewed by expert panel. Criteria: clingen_lsd_acmg_specifications_v2-1. Collection method: curation. Allele origin: germline. Inheritance: Autosomal recessive inheritance.
Comment: The NM_000152.5:c.1385T>C variant in GAA is a missense variant predicted to cause substitution of leucine by proline at amino acid 462 (p.Leu462Pro). The highest population minor allele frequency in gnomAD v4.1.0. is 8.5e-7 (1/1179884 alleles) in the Non-Finnish European population, which is lower than the ClinGen Lysosomal Diseases VCEP’s threshold for PM2_Supporting (<0.001), meeting this criterion (PM2_Supporting). This patient is compound heterozygous for the variant and another missense variant that has been classified as likely pathogenic by the ClinGen LD VCEP (PMID: 25612604). Expression of the variant in HEK293 cells (methodology: PMID 36246652) resulted in no GAA activity relative to wild type. Western blot revealed only a precursor (110 kDa) band, evidence of abnormal GAA synthesis and processing (data unpublished) (PS3_moderate). The computational predictor REVEL gives a score of 0.951 which is above the threshold of 0.7, evidence that correlates with impact to GAA function (PP3). There is a ClinVar entry for this variant (Variation ID: 1693548, 3 star review status) with 2 submitters as VUS (1 submitter) or pathogenic (1 submitter). In summary, this variant meets the criteria to be classified as likely pathogenic for Pompe disease based on the ACMG/AMP criteria applied, as specified by the ClinGen Lysosomal Diseases Variant Curation Expert Panel (Specifications Version 2.0.0): PM2_supporting, PP4_moderate, PP3, PS3_moderate (Classification approved by the ClinGen Lysosomal Diseases Variant Curation Expert Panel on June 17, 2025)

Genomenon, Inc
Classification: Uncertain significance for Glycogen storage disease, type II. Last evaluated: 2026-07-01. Review status: criteria provided, single submitter. Criteria: Genomenon Sequence Variant Interpretation Standards - Updated. Collection method: curation. Allele origin: germline. Affected: yes. Not counted in ClinVar's aggregate classification.
Comment: GAA p.Leu462Pro (c.1385T>C) is a missense variant that changes the amino acid at codon 462 from Leucine to Proline. This variant has been observed in at least one proband with a GAA-related disorder (PMID:25612604). It is absent or not present at a significant frequency in gnomAD. In silico models predict that this variant is possibly or probably damaging. In conclusion, we classify GAA p.Leu462Pro (c.1385T>C) as a variant of uncertain significance.

Foundation for Research in Genetics and Endocrinology, FRIGE's Institute of Human Genetics
Classification: Pathogenic for Glycogen storage disease, type II. Last evaluated: 2024-04-06. Review status: criteria provided, single submitter. Criteria: ACMG Guidelines, 2015. Collection method: clinical testing. Allele origin: germline. Inheritance: Autosomal recessive inheritance. Affected: yes. Observed: 1 compound heterozygote. Not counted in ClinVar's aggregate classification.
Comment: A heterozygous variant in exon 9 of the GAA gene that results in the amino acid substitution of Proline for Leucine at codon 462 was detected. The observed variant c.1385T>C has not been reported in the 1000 genomes and gnomAD database. The in-silico prediction of the variant is damaging by MutationTaster and DANN. In summary, the variant meets our criteria to be classified as pathogenic.

Literature cited by the submitters: PubMed 25612604 (cited by Genomenon, Inc).

NM_000152.5(GAA):c.1385T>C (p.Leu462Pro)

Gene: GAA (alpha glucosidase; plus strand). Cytogenetic location: 17q25.3.
Variant type: single nucleotide variant.
Coding change: c.1385T>C on transcript NM_000152.5 (MANE Select); coding-DNA position 1385, T replaced by C.
Protein change: p.Leu462Pro; replaces leucine 462 with proline.
Molecular consequence: missense variant.
Genome position (GRCh38, 1-based): chr17:80,110,003, T>C. VCF-style: chr17-80110003-T-C. GRCh37 (hg19) VCF-style: chr17-78083802-T-C.
Other names: NM_001079804.3:c.1385T>C; p.Leu462Pro; c.1385T>C, p.Leu462Pro (NM_001079803.3, NM_001079804.3); short protein forms L462P.
Identifiers: ClinVar variation 1693548 (VCV001693548.5), dbSNP rs2143866454, ClinGen allele CA401366477.